The following is an entry in ClinVar:

NM_014249.4(NR2E3):c.905T>C (p.Val302Ala)

Gene: NR2E3 (nuclear receptor subfamily 2 group E member 3; plus strand). Cytogenetic location: 15q23.
Variant type: single nucleotide variant.
Coding change: c.905T>C on transcript NM_014249.4 (MANE Select); coding-DNA position 905, T replaced by C.
Protein change: p.Val302Ala; replaces valine 302 with alanine.
Molecular consequence: missense variant.
Genome position (GRCh38, 1-based): chr15:71,813,546, T>C. VCF-style: chr15-71813546-T-C. GRCh37 (hg19) VCF-style: chr15-72105886-T-C.
Other names: c.905T>C, p.Val302Ala (NM_016346.4); c.905T>C (NM_014249.2); short protein forms V302A.
Identifiers: ClinVar variation 866698 (VCV000866698.7), dbSNP rs759031159, ClinGen allele CA7640429.
Genomic context (GRCh38, chr15:71,813,546, plus strand): 5'-AGGCCTCTGCTGCCGGTGGTGCCCAGGGCCGGCTCACGCTGGCCAGCATGGAGACGCGTG[T>C]CCTGCAGGAAACTATCTCTCGGTTCCGGGCATTGGCGGTGGACCCCACGGAGTTTGCCTG-3'
Protein context (NP_055064.1, residues 292-312): RLTLASMETR[Val302Ala]LQETISRFRA

ClinVar aggregate classification (germline): Uncertain significance. Review status: criteria provided, multiple submitters, no conflicts (2 of 4 stars). 3 submissions from 3 submitters: Uncertain significance (2). 1 of the submissions does not count toward it. Last evaluated 2024-03-18.

Conditions:
Inborn genetic diseases. Identifiers: MedGen C0950123, MeSH D030342.
Enhanced S-cone syndrome (ESCS). Identifiers: Orphanet 53540, MedGen C1849394, MONDO:0100288, MONDO:0009989.

Allele frequency attached by ClinVar (database versions not stated): ExAC 0.00001; gnomAD exomes 0.00001; TOPMed 0.00001; gnomAD 0.00002.
gnomAD v4.1: 10 of 1,613,746 alleles (0.00062%); highest among the groups gnomAD compares: Admixed American, 0.0067%; no homozygotes.

Submissions (3):

Ambry Genetics
Classification: Uncertain significance for Inborn genetic diseases. Last evaluated: 2024-03-18. Review status: criteria provided, single submitter. Criteria: Ambry Variant Classification Scheme 2023. Collection method: clinical testing. Allele origin: germline.

Labcorp Genetics (formerly Invitae), Labcorp
Classification: Uncertain significance. Last evaluated: 2024-03-07. Review status: criteria provided, single submitter. Criteria: Invitae Variant Classification Sherloc (09022015). Collection method: clinical testing. Allele origin: germline.
Comment: This sequence change replaces valine, which is neutral and non-polar, with alanine, which is neutral and non-polar, at codon 302 of the NR2E3 protein (p.Val302Ala). This variant is present in population databases (rs759031159, gnomAD 0.003%). This variant has not been reported in the literature in individuals affected with NR2E3-related conditions. ClinVar contains an entry for this variant (Variation ID: 866698). Advanced modeling of protein sequence and biophysical properties (such as structural, functional, and spatial information, amino acid conservation, physicochemical variation, residue mobility, and thermodynamic stability) performed at Invitae indicates that this missense variant is not expected to disrupt NR2E3 protein function with a negative predictive value of 80%. In summary, the available evidence is currently insufficient to determine the role of this variant in disease. Therefore, it has been classified as a Variant of Uncertain Significance.

Natera, Inc.
Classification: Uncertain significance for Enhanced S cone syndrome. Last evaluated: 2020-10-08. Review status: no assertion criteria provided. Collection method: clinical testing. Allele origin: germline. Not counted in ClinVar's aggregate classification.